The following is an entry in ClinVar:

NM_001042492.3(NF1):c.2718T>A (p.His906Gln)

Gene: NF1 (neurofibromin 1; plus strand). Cytogenetic location: 17q11.2.
Variant type: single nucleotide variant.
Coding change: c.2718T>A on transcript NM_001042492.3 (MANE Select); coding-DNA position 2718, T replaced by A.
Protein change: p.His906Gln; replaces histidine 906 with glutamine.
Molecular consequence: missense variant.
Genome position (GRCh38, 1-based): chr17:31,229,333, T>A. VCF-style: chr17-31229333-T-A. GRCh37 (hg19) VCF-style: chr17-29556351-T-A.
Other names: c.2718T>A, p.His906Gln (NM_000267.4); short protein forms H906Q.
Identifiers: ClinVar variation 1413173 (VCV001413173.6), dbSNP rs2067072074, ClinGen allele CA398985140.
Genomic context (GRCh38, chr17:31,229,333, plus strand): 5'-CGCAGATACACCTGTCAGCAAATTTATGGATCGGCTGTTGTCCTTAATGGTGTGTAACCA[T>A]GAGAAAGTGGGACTTCAAATACGGACCAATGTTAAGGATCTGGTGGGTCTAGAATTGAGT-3'
Protein context (NP_001035957.1, residues 896-916): DRLLSLMVCN[His906Gln]EKVGLQIRTN

ClinVar aggregate classification (germline): Uncertain significance (1 of 4 stars; one submission).

Conditions:
Neurofibromatosis, type 1 (NF1). Also called: Peripheral type neurofibromatosis; Neurofibromatosis, type I; VON RECKLINGHAUSEN DISEASE; NEUROFIBROMATOSIS, TYPE I, SOMATIC. Identifiers: Orphanet 636, MedGen C0027831, MONDO:0018975, OMIM 162200. Disease mechanism: loss of function.

Allele frequency attached by ClinVar (database versions not stated): TOPMed below 0.00001.

Submission:

Labcorp Genetics (formerly Invitae), Labcorp
Classification: Uncertain significance for Neurofibromatosis, type 1. Last evaluated: 2025-12-15. Review status: criteria provided, single submitter. Criteria: Invitae Variant Classification Sherloc (09022015). Collection method: clinical testing. Allele origin: germline.
Comment: This sequence change replaces histidine, which is basic and polar, with glutamine, which is neutral and polar, at codon 906 of the NF1 protein (p.His906Gln). This variant is not present in population databases (gnomAD no frequency). This variant has not been reported in the literature in individuals affected with NF1-related conditions. ClinVar contains an entry for this variant (Variation ID: 1413173). Invitae Evidence Modeling of protein sequence and biophysical properties (such as structural, functional, and spatial information, amino acid conservation, physicochemical variation, residue mobility, and thermodynamic stability) has been performed for this missense variant. However, the output from this modeling did not meet the statistical confidence thresholds required to predict the impact of this variant on NF1 protein function. In summary, the available evidence is currently insufficient to determine the role of this variant in disease. Therefore, it has been classified as a Variant of Uncertain Significance.